The following is an entry in ClinVar:

ClinVar aggregate classification (germline): Likely pathogenic (1 of 4 stars; one submission).

Allele frequency attached by ClinVar (database versions not stated): TOPMed 0.00001; gnomAD 0.00002; 1000 Genomes Project 30x 0.00016.
gnomAD v4.1: 79 of 1,540,820 alleles (0.0051%); highest among the groups gnomAD compares: Non-Finnish European, 0.0065%; no homozygotes.

Submission:

Labcorp Genetics (formerly Invitae), Labcorp
Classification: Likely pathogenic. Last evaluated: 2022-06-27. Review status: criteria provided, single submitter. Criteria: Invitae Variant Classification Sherloc (09022015). Collection method: clinical testing. Allele origin: germline.
Comment: This sequence change affects a donor splice site in intron 13 of the MEI1 gene. It is expected to disrupt RNA splicing. Variants that disrupt the donor or acceptor splice site typically lead to a loss of protein function (PMID: 16199547), and loss-of-function variants in MEI1 are known to be pathogenic (PMID: 30388401). This variant is present in population databases (rs199977360, gnomAD 0.006%). This variant has not been reported in the literature in individuals affected with MEI1-related conditions. Algorithms developed to predict the effect of sequence changes on RNA splicing suggest that this variant may disrupt the consensus splice site. In summary, the currently available evidence indicates that the variant is pathogenic, but additional data are needed to prove that conclusively. Therefore, this variant has been classified as Likely Pathogenic.

Literature cited by the submitters: PubMed 16199547; PubMed 30388401.

NM_152513.4(MEI1):c.1538+1G>A

Gene: MEI1 (meiotic double-stranded break formation protein 1; plus strand). Cytogenetic location: 22q13.2.
Variant type: single nucleotide variant.
Coding change: c.1538+1G>A on transcript NM_152513.4 (MANE Select); the canonical splice donor site of the intron after coding-DNA position 1538, G replaced by A.
Molecular consequence: splice donor variant.
Genome position (GRCh38, 1-based): chr22:41,745,065, G>A. VCF-style: chr22-41745065-G-A. GRCh37 (hg19) VCF-style: chr22-42141069-G-A.
Identifiers: ClinVar variation 2068049 (VCV002068049.1), dbSNP rs199977360, ClinGen allele CA10260198.